The following is an entry in ClinVar:

NM_001114753.3(ENG):c.848C>T (p.Pro283Leu)

Gene: ENG (endoglin; minus strand). Cytogenetic location: 9q34.11.
Variant type: single nucleotide variant.
Coding change: c.848C>T on transcript NM_001114753.3 (MANE Select); coding-DNA position 848, C replaced by T.
Protein change: p.Pro283Leu; replaces proline 283 with leucine.
Molecular consequence: missense variant.
Genome position (GRCh38, 1-based): chr9:127,824,943, G>A on the plus strand (C>T on the coding strand, the complement: ENG is on the minus strand). VCF-style: chr9-127824943-G-A. GRCh37 (hg19) VCF-style: chr9-130587222-G-A.
Other names: c.848C>T, p.Pro283Leu (NM_000118.4, NM_001406715.1); c.302C>T, p.Pro101Leu (NM_001278138.2); short protein forms P283L, P101L.
Identifiers: ClinVar variation 4843437 (VCV004843437.1).

ClinVar aggregate classification (germline): Uncertain significance (1 of 4 stars; one submission).

Conditions:
Cardiovascular phenotype. Identifiers: MedGen CN230736.

Submission:

Ambry Genetics
Classification: Uncertain significance for Cardiovascular phenotype. Last evaluated: 2026-01-22. Review status: criteria provided, single submitter. Criteria: Ambry Variant Classification Scheme 2023. Collection method: clinical testing. Allele origin: germline.
Comment: The p.P283L variant (also known as c.848C>T), located in coding exon 7 of the ENG gene, results from a C to T substitution at nucleotide position 848. The proline at codon 283 is replaced by leucine, an amino acid with similar properties. This amino acid position is conserved. In addition, this alteration is predicted to be tolerated by in silico analysis. Based on the available evidence, the clinical significance of this variant remains unclear.